The following is an entry in ClinVar:

ClinVar aggregate classification (germline): Pathogenic (1 of 4 stars; one submission).

Submission:

CeGaT Center for Human Genetics Tuebingen
Classification: Pathogenic. Last evaluated: 2024-10-01. Review status: criteria provided, single submitter. Criteria: CeGaT Center For Human Genetics Tuebingen Variant Classification Criteria Version 2. Collection method: clinical testing. Allele origin: germline. Affected: yes. Observed: 1 variant allele.
Comment: NEK1: PVS1, PM2

NM_001199397.3(NEK1):c.988del (p.His330fs)

Gene: NEK1 (NIMA related kinase 1; minus strand). Cytogenetic location: 4q33.
Variant type: Deletion.
Coding change: c.988del on transcript NM_001199397.3 (MANE Select); coding-DNA position 988, one base deleted (C; older notation c.988delC).
Protein change: p.His330fs; shifts the reading frame from histidine 330.
Molecular consequence: frameshift variant. On other transcripts: non-coding transcript variant (2).
Genome position (GRCh38, 1-based): chr4:169,576,960, G deleted on the plus strand (C on the coding strand, the reverse complement: NEK1 is on the minus strand). VCF-style (leftmost placement, unchanged base first): chr4-169576959-TG-T. GRCh37 (hg19) VCF-style: chr4-170498110-TG-T.
Other names: c.988del, p.His330fs (NM_001199398.3, NM_001199399.3, NM_001199400.3 and 7 more transcripts); short protein forms H330fs.
Identifiers: ClinVar variation 3390022 (VCV003390022.14).